The following is an entry in ClinVar:

ClinVar aggregate classification (germline): Uncertain significance (1 of 4 stars; one submission).

Allele frequency attached by ClinVar (database versions not stated): TOPMed 0.00006; ExAC 0.00004; gnomAD 0.00005; gnomAD exomes 0.00005.
gnomAD v4.1: 77 of 1,614,106 alleles (0.0048%); highest among the groups gnomAD compares: Non-Finnish European, 0.0063%; no homozygotes.

Submission:

Labcorp Genetics (formerly Invitae), Labcorp
Classification: Uncertain significance. Last evaluated: 2022-10-12. Review status: criteria provided, single submitter. Criteria: Invitae Variant Classification Sherloc (09022015). Collection method: clinical testing. Allele origin: germline.
Comment: This variant is present in population databases (rs748917911, gnomAD 0.009%). In summary, the available evidence is currently insufficient to determine the role of this variant in disease. Therefore, it has been classified as a Variant of Uncertain Significance. Experimental studies have shown that this missense change does not substantially affect SNAI2 function (PMID: 27013732). Algorithms developed to predict the effect of missense changes on protein structure and function are either unavailable or do not agree on the potential impact of this missense change (SIFT: "Deleterious"; PolyPhen-2: "Benign"; Align-GVGD: "Class C35"). This missense change has been observed in individual(s) with neural tube defects (PMID: 10479723). This sequence change replaces aspartic acid, which is acidic and polar, with glutamic acid, which is acidic and polar, at codon 119 of the SNAI2 protein (p.Asp119Glu).

Literature cited by the submitters: PubMed 27013732; PubMed 10479723.

NM_003068.5(SNAI2):c.357C>A (p.Asp119Glu)

Gene: SNAI2 (snail family transcriptional repressor 2; minus strand). Cytogenetic location: 8q11.21.
Variant type: single nucleotide variant.
Coding change: c.357C>A on transcript NM_003068.5 (MANE Select); coding-DNA position 357, C replaced by A.
Protein change: p.Asp119Glu; replaces aspartic acid 119 with glutamic acid.
Molecular consequence: missense variant.
Genome position (GRCh38, 1-based): chr8:48,920,164, G>T on the plus strand (C>A on the coding strand, the complement: SNAI2 is on the minus strand). VCF-style: chr8-48920164-G-T. GRCh37 (hg19) VCF-style: chr8-49832723-G-T.
Other names: short protein forms D119E.
Identifiers: ClinVar variation 2136665 (VCV002136665.4), dbSNP rs748917911, ClinGen allele CA4743507.